The following is an entry in ClinVar:

NM_015450.3(POT1):c.160A>G (p.Asn54Asp)

Gene: POT1 (protection of telomeres 1; minus strand). Cytogenetic location: 7q31.33.
Variant type: single nucleotide variant.
Coding change: c.160A>G on transcript NM_015450.3 (MANE Select); coding-DNA position 160, A replaced by G.
Protein change: p.Asn54Asp; replaces asparagine 54 with aspartic acid.
Molecular consequence: missense variant. On other transcripts: intron variant (1), non-coding transcript variant (3).
Genome position (GRCh38, 1-based): chr7:124,871,006, T>C on the plus strand (A>G on the coding strand, the complement: POT1 is on the minus strand). VCF-style: chr7-124871006-T-C. GRCh37 (hg19) VCF-style: chr7-124511060-T-C.
Other names: c.-138-7366A>G (NM_001042594.2); short protein forms N54D.
Identifiers: ClinVar variation 1468037 (VCV001468037.10), dbSNP rs1398488689, ClinGen allele CA369061619.

ClinVar aggregate classification (germline): Conflicting classifications of pathogenicity. Review status: criteria provided, conflicting classifications (1 of 4 stars). 2 submissions from 2 submitters: Uncertain significance (1); Likely benign (1). Last evaluated 2025-04-20.

Conditions:
Tumor predisposition syndrome 3 (TPDS3). Also called: Melanoma, cutaneous malignant, susceptibility to, 10; LONG TELOMERE SYNDROME, POT1-RELATED; POT1 Tumor Predisposition; Glioma susceptibility 9. Identifiers: Orphanet 618, MedGen C4014476, MONDO:0014368, OMIM 615848.
Hereditary cancer-predisposing syndrome. Also called: Tumor predisposition; Neoplastic Syndromes, Hereditary; Hereditary Cancer Syndrome; Hereditary neoplastic syndrome. Identifiers: Orphanet 140162, MedGen C0027672, MeSH D009386, MONDO:0015356.

Allele frequency attached by ClinVar (database versions not stated): gnomAD exomes below 0.00001; TOPMed 0.00001.
gnomAD v4.1: 2 of 1,609,848 alleles (0.00012%); highest among the groups gnomAD compares: East Asian, 0.0045%; no homozygotes.

Submissions (2):

Labcorp Genetics (formerly Invitae), Labcorp
Classification: Uncertain significance for Tumor predisposition syndrome 3. Last evaluated: 2025-04-20. Review status: criteria provided, single submitter. Criteria: Invitae Variant Classification Sherloc (09022015). Collection method: clinical testing. Allele origin: germline.
Comment: This sequence change replaces asparagine, which is neutral and polar, with aspartic acid, which is acidic and polar, at codon 54 of the POT1 protein (p.Asn54Asp). This variant is present in population databases (no rsID available, gnomAD 0.006%). This variant has not been reported in the literature in individuals affected with POT1-related conditions. ClinVar contains an entry for this variant (Variation ID: 1468037). Invitae Evidence Modeling of protein sequence and biophysical properties (such as structural, functional, and spatial information, amino acid conservation, physicochemical variation, residue mobility, and thermodynamic stability) indicates that this missense variant is not expected to disrupt POT1 protein function with a negative predictive value of 80%. In summary, the available evidence is currently insufficient to determine the role of this variant in disease. Therefore, it has been classified as a Variant of Uncertain Significance.

Ambry Genetics
Classification: Likely benign for Hereditary cancer-predisposing syndrome. Last evaluated: 2025-01-10. Review status: criteria provided, single submitter. Criteria: Ambry Variant Classification Scheme 2023. Collection method: clinical testing. Allele origin: germline.